The following is an entry in ClinVar:

NM_001003694.2(BRPF1):c.1389G>T (p.Glu463Asp)

Gene: BRPF1 (bromodomain and PHD finger containing 1; plus strand). Cytogenetic location: 3p25.3.
Variant type: single nucleotide variant.
Coding change: c.1389G>T on transcript NM_001003694.2 (MANE Select); coding-DNA position 1389, G replaced by T.
Protein change: p.Glu463Asp; replaces glutamic acid 463 with aspartic acid.
Molecular consequence: missense variant. On other transcripts: non-coding transcript variant (1).
Genome position (GRCh38, 1-based): chr3:9,739,788, G>T. VCF-style: chr3-9739788-G-T. GRCh37 (hg19) VCF-style: chr3-9781472-G-T.
Other names: c.1389G>T, p.Glu463Asp (NM_001319049.2, NM_001319050.2, NM_001410704.1 and 7 more transcripts); short protein forms E463D.
Identifiers: ClinVar variation 4839002 (VCV004839002.1).

ClinVar aggregate classification (germline): Uncertain significance (1 of 4 stars; one submission).

Conditions:
Inborn genetic diseases. Identifiers: MedGen C0950123, MeSH D030342.

gnomAD v4.1: 2 of 1,613,566 alleles (0.00012%); highest among the groups gnomAD compares: Non-Finnish European, 0.00017%; no homozygotes.

Submission:

Ambry Genetics
Classification: Uncertain significance for Inborn genetic diseases. Last evaluated: 2026-01-05. Review status: criteria provided, single submitter. Criteria: Ambry Variant Classification Scheme 2023. Collection method: clinical testing. Allele origin: germline.
Comment: The c.1389G>T (p.E463D) alteration is located in exon 3 (coding exon 2) of the BRPF1 gene. This alteration results from a G to T substitution at nucleotide position 1389, causing the glutamic acid (E) at amino acid position 463 to be replaced by an aspartic acid (D). Based on data from gnomAD, the T allele has an overall frequency of <0.001% (1/249262) total alleles studied. The highest observed frequency was 0.001% (1/112572) of European (non-Finnish) alleles. Based on insufficient or conflicting evidence, the clinical significance of this alteration remains unclear.